The following is an entry in ClinVar:

NM_001194998.2(CEP152):c.1809A>G (p.Pro603=)

Gene: CEP152 (centrosomal protein 152; minus strand). Cytogenetic location: 15q21.1.
Variant type: single nucleotide variant.
Coding change: c.1809A>G on transcript NM_001194998.2 (MANE Select); coding-DNA position 1809, A replaced by G.
Protein change: p.Pro603=; no amino-acid change (proline 603 retained).
Molecular consequence: synonymous variant.
Genome position (GRCh38, 1-based): chr15:48,769,055, T>C on the plus strand (A>G on the coding strand, the complement: CEP152 is on the minus strand). VCF-style: chr15-48769055-T-C. GRCh37 (hg19) VCF-style: chr15-49061252-T-C.
Other names: c.1809A>G, p.Pro603= (NM_014985.4).
Identifiers: ClinVar variation 2645322 (VCV002645322.27), dbSNP rs2504721203, ClinGen allele CA490039085.

ClinVar aggregate classification (germline): Likely benign. Review status: criteria provided, multiple submitters, no conflicts (2 of 4 stars). 2 submissions from 2 submitters: Likely benign (2). Last evaluated 2023-10-01.

Submissions (2):

CeGaT Center for Human Genetics Tuebingen
Classification: Likely benign. Last evaluated: 2023-10-01. Review status: criteria provided, single submitter. Criteria: CeGaT Center For Human Genetics Tuebingen Variant Classification Criteria Version 2. Collection method: clinical testing. Allele origin: germline. Affected: yes. Observed: 1 variant allele.
Comment: CEP152: PM2:Supporting, BP4, BP7

Labcorp Genetics (formerly Invitae), Labcorp
Classification: Likely benign. Last evaluated: 2023-01-28. Review status: criteria provided, single submitter. Criteria: Invitae Variant Classification Sherloc (09022015). Collection method: clinical testing. Allele origin: germline.